The following is an entry in ClinVar:

ClinVar aggregate classification (germline): Uncertain significance (1 of 4 stars; one submission).

Conditions:
Congenital myasthenic syndrome 5. Identifiers: Orphanet 590, MedGen C1864233, MONDO:0011281, OMIM 603034.

Allele frequency attached by ClinVar (database versions not stated): ExAC 0.00003; gnomAD exomes 0.00004; gnomAD 0.00006 and 0.00007; TOPMed 0.00021; 1000 Genomes Project 30x 0.00031; 1000 Genomes Project 0.00040.
gnomAD v4.1: 32 of 1,613,892 alleles (0.002%); highest among the groups gnomAD compares: Admixed American, 0.025%; no homozygotes.

Submission:

Labcorp Genetics (formerly Invitae), Labcorp
Classification: Uncertain significance for Congenital myasthenic syndrome 5. Last evaluated: 2026-01-19. Review status: criteria provided, single submitter. Criteria: Invitae Variant Classification Sherloc (09022015). Collection method: clinical testing. Allele origin: germline.
Comment: This sequence change replaces arginine, which is basic and polar, with glutamine, which is neutral and polar, at codon 236 of the COLQ protein (p.Arg236Gln). This variant is present in population databases (rs200770910, gnomAD 0.01%). This variant has not been reported in the literature in individuals affected with COLQ-related conditions. ClinVar contains an entry for this variant (Variation ID: 1046437). Invitae Evidence Modeling of protein sequence and biophysical properties (such as structural, functional, and spatial information, amino acid conservation, physicochemical variation, residue mobility, and thermodynamic stability) indicates that this missense variant is not expected to disrupt COLQ protein function with a negative predictive value of 80%. In summary, the available evidence is currently insufficient to determine the role of this variant in disease. Therefore, it has been classified as a Variant of Uncertain Significance.

NM_005677.4(COLQ):c.707G>A (p.Arg236Gln)

Gene: COLQ (collagen like tail subunit of asymmetric acetylcholinesterase; minus strand). Cytogenetic location: 3p25.1.
Variant type: single nucleotide variant.
Coding change: c.707G>A on transcript NM_005677.4 (MANE Select); coding-DNA position 707, G replaced by A.
Protein change: p.Arg236Gln; replaces arginine 236 with glutamine.
Molecular consequence: missense variant.
Genome position (GRCh38, 1-based): chr3:15,470,546, C>T on the plus strand (G>A on the coding strand, the complement: COLQ is on the minus strand). VCF-style: chr3-15470546-C-T. GRCh37 (hg19) VCF-style: chr3-15512053-C-T.
Other names: c.677G>A, p.Arg226Gln (NM_080538.2); c.605G>A, p.Arg202Gln (NM_080539.4); short protein forms R226Q, R202Q, R236Q.
Identifiers: ClinVar variation 1046437 (VCV001046437.7), dbSNP rs200770910, ClinGen allele CA2276018.